The following is an entry in ClinVar:

NM_006912.6(RIT1):c.38G>A (p.Ser13Asn)

Gene: RIT1 (Ras like without CAAX 1; minus strand). Cytogenetic location: 1q22.
Variant type: single nucleotide variant.
Coding change: c.38G>A on transcript NM_006912.6 (MANE Select); coding-DNA position 38, G replaced by A.
Protein change: p.Ser13Asn; replaces serine 13 with asparagine.
Molecular consequence: missense variant. On other transcripts: intron variant (1).
Genome position (GRCh38, 1-based): chr1:155,910,724, C>T on the plus strand (G>A on the coding strand, the complement: RIT1 is on the minus strand). VCF-style: chr1-155910724-C-T. GRCh37 (hg19) VCF-style: chr1-155880515-C-T.
Other names: c.89G>A, p.Ser30Asn (NM_001256821.2); c.-2-218G>A (NM_001256820.2); c.89G>A (NM_001256821.1); c.38G>A, p.Ser13Asn (LRG_1372t1); short protein forms S13N, S30N.
Identifiers: ClinVar variation 509441 (VCV000509441.15), dbSNP rs145034964, ClinGen allele CA1151908.

ClinVar aggregate classification (germline): Conflicting classifications of pathogenicity. Review status: criteria provided, conflicting classifications (1 of 4 stars). 5 submissions from 5 submitters: Uncertain significance (2); Likely benign (3). Last evaluated 2025-12-14.

Conditions:
Noonan syndrome and Noonan-related syndrome. Identifiers: Orphanet 98733, MedGen C5681679, MONDO:0020297.
Cardiovascular phenotype. Identifiers: MedGen CN230736.
Noonan syndrome 8 (NS8). Identifiers: Orphanet 648, MedGen C3809233, MONDO:0014143, OMIM 615355.
RIT1-related disorder. Also called: RIT1-related condition.

Allele frequency attached by ClinVar (database versions not stated): gnomAD exomes 0.00001; ExAC 0.00003; TOPMed 0.00009; gnomAD 0.00010 and 0.00012; ESP Exome Variant Server 0.00023.
gnomAD v4.1: 34 of 1,614,142 alleles (0.0021%); highest among the groups gnomAD compares: African/African-American, 0.04%; no homozygotes.

Submissions (5):

Labcorp Genetics (formerly Invitae), Labcorp
Classification: Uncertain significance for Noonan syndrome 8. Last evaluated: 2025-12-14. Review status: criteria provided, single submitter. Criteria: Invitae Variant Classification Sherloc (09022015). Collection method: clinical testing. Allele origin: germline.
Comment: This sequence change replaces serine, which is neutral and polar, with asparagine, which is neutral and polar, at codon 13 of the RIT1 protein (p.Ser13Asn). This variant is present in population databases (rs145034964, gnomAD 0.03%). This variant has not been reported in the literature in individuals affected with RIT1-related conditions. ClinVar contains an entry for this variant (Variation ID: 509441). Invitae Evidence Modeling incorporating data from in vitro experimental studies (internal data) indicates that this missense variant is not expected to disrupt RIT1 function with a negative predictive value of 95%. In summary, the available evidence is currently insufficient to determine the role of this variant in disease. Therefore, it has been classified as a Variant of Uncertain Significance.

PreventionGenetics, part of Exact Sciences
Classification: Uncertain significance for RIT1-related condition. Last evaluated: 2022-10-04. Review status: criteria provided, single submitter. Criteria: ACMG Guidelines, 2015. Collection method: clinical testing. Allele origin: germline.
Comment: The RIT1 c.89G>A variant is predicted to result in the amino acid substitution p.Ser30Asn. To our knowledge, this variant has not been reported in the literature. This variant is reported in 0.028% of alleles in individuals of African descent in gnomAD and has conflicting interpretations of pathogenicity in ClinVar ranging from likely benign to uncertain. Although we suspect that this variant may be benign, at this time, the clinical significance of this variant is uncertain due to the absence of conclusive functional and genetic evidence.

GeneDx
Classification: Likely benign. Last evaluated: 2020-09-02. Review status: criteria provided, single submitter. Criteria: GeneDx Variant Classification Process June 2021. Collection method: clinical testing. Allele origin: germline. Affected: yes.

Genome Diagnostics Laboratory, The Hospital for Sick Children
Classification: Likely benign for Noonan syndrome and Noonan-related syndrome. Last evaluated: 2020-05-01. Review status: criteria provided, single submitter. Criteria: ACMG Guidelines, 2015. Collection method: clinical testing. Allele origin: germline.

Ambry Genetics
Classification: Likely benign for Cardiovascular phenotype. Last evaluated: 2019-10-21. Review status: criteria provided, single submitter. Criteria: Ambry Variant Classification Scheme 2023. Collection method: clinical testing. Allele origin: germline.